The following is an entry in ClinVar:

NM_001161352.2(KCNMA1):c.378+897C>G

Gene: KCNMA1 (potassium calcium-activated channel subfamily M alpha 1; minus strand). Cytogenetic location: 10q22.3.
Variant type: single nucleotide variant.
Coding change: c.378+897C>G on transcript NM_001161352.2 (MANE Select); 897 bases into the intron after coding-DNA position 378, C replaced by G.
Molecular consequence: intron variant. On other transcripts: 3 prime UTR variant (3), synonymous variant (1).
Genome position (GRCh38, 1-based): chr10:77,636,368, G>C on the plus strand (C>G on the coding strand, the complement: KCNMA1 is on the minus strand). VCF-style: chr10-77636368-G-C. GRCh37 (hg19) VCF-style: chr10-79396126-G-C.
Other names: c.378+897C>G (NM_001322832.2, NM_001410940.1, NM_001322829.2 and 9 more transcripts); c.*375C>G (NM_001271520.2); c.*193C>G (NM_001271521.2); c.*19C>G (NM_001271522.2); c.693C>G, p.Arg231= (NM_001322839.2).
Identifiers: ClinVar variation 3055888 (VCV003055888.4), dbSNP rs570212657, ClinGen allele CA5568722.

ClinVar aggregate classification (germline): Likely benign. Review status: criteria provided, multiple submitters, no conflicts (2 of 4 stars). 3 submissions from 3 submitters: Likely benign (2). 1 of the submissions does not count toward it. Last evaluated 2026-08-01.

Conditions:
KCNMA1-related disorder. Also called: KCNMA1-related condition; KCNMA1-related disorders.

Allele frequency attached by ClinVar (database versions not stated): 1000 Genomes Project 0.00040; 1000 Genomes Project 30x 0.00047; gnomAD 0.00204; TOPMed 0.00230; ExAC 0.00256; gnomAD exomes 0.00307.
gnomAD v4.1: 4,578 of 1,533,250 alleles (0.3%); highest among the groups gnomAD compares: Non-Finnish European, 0.34%; 10 homozygotes.

Submissions (3):

CeGaT Center for Human Genetics Tuebingen
Classification: Likely benign. Last evaluated: 2026-08-01. Review status: criteria provided, single submitter. Criteria: CeGaT Center For Human Genetics Tuebingen Variant Classification Criteria Version 2. Collection method: clinical testing. Allele origin: germline. Affected: yes. Observed: 2 variant alleles.
Comment: KCNMA1: BP4, BS1

Blueprint Genetics
Classification: Likely benign. Last evaluated: 2024-11-18. Review status: criteria provided, single submitter. Criteria: ACMG Guidelines, 2015. Collection method: clinical testing. Allele origin: germline.

PreventionGenetics, part of Exact Sciences
Classification: Benign for KCNMA1-related condition. Last evaluated: 2019-07-24. Review status: no assertion criteria provided. Collection method: clinical testing. Allele origin: germline. Not counted in ClinVar's aggregate classification.
Comment: This variant is classified as benign based on ACMG/AMP sequence variant interpretation guidelines (Richards et al. 2015 PMID: 25741868, with internal and published modifications).